The following is an entry in ClinVar:

NM_006231.4(POLE):c.2730C>G (p.Tyr910Ter)

Gene: POLE (DNA polymerase epsilon, catalytic subunit; minus strand). Cytogenetic location: 12q24.33.
Variant type: single nucleotide variant.
Coding change: c.2730C>G on transcript NM_006231.4 (MANE Select); coding-DNA position 2730, C replaced by G.
Protein change: p.Tyr910Ter; replaces tyrosine 910 with a stop codon.
Molecular consequence: nonsense.
Genome position (GRCh38, 1-based): chr12:132,661,661, G>C on the plus strand (C>G on the coding strand, the complement: POLE is on the minus strand). VCF-style: chr12-132661661-G-C. GRCh37 (hg19) VCF-style: chr12-133238247-G-C.
Other names: short protein forms Y910*.
Identifiers: ClinVar variation 3343138 (VCV003343138.1).

ClinVar aggregate classification (germline): Likely pathogenic (1 of 4 stars; one submission).

Submission:

GeneDx
Classification: Likely pathogenic. Last evaluated: 2023-12-28. Review status: criteria provided, single submitter. Criteria: GeneDx Variant Classification Process June 2021. Collection method: clinical testing. Allele origin: germline. Affected: yes.
Comment: Nonsense variant predicted to result in protein truncation or nonsense mediated decay in a gene for which loss of function is a known mechanism of disease; Not observed at significant frequency in large population cohorts (gnomAD); Has not been previously published as pathogenic or benign to our knowledge